The following is an entry in ClinVar:

ClinVar aggregate classification (germline): Uncertain significance (1 of 4 stars; one submission).

Conditions:
Familial thoracic aortic aneurysm and aortic dissection (TAAD). Also called: Thoracic aortic aneurysms and dissections. Identifiers: Orphanet 91387, MedGen C4707243, MONDO:0019625.

gnomAD v4.1: 1 of 1,612,716 alleles (0.000062%); highest among the groups gnomAD compares: Non-Finnish European, 0.000085%; no homozygotes.

Submission:

Ambry Genetics
Classification: Uncertain significance for Familial thoracic aortic aneurysm and aortic dissection. Last evaluated: 2023-07-03. Review status: criteria provided, single submitter. Criteria: Ambry Variant Classification Scheme 2023. Collection method: clinical testing. Allele origin: germline.
Comment: The p.L347W variant (also known as c.1040T>G), located in coding exon 9 of the MYH11 gene, results from a T to G substitution at nucleotide position 1040. The leucine at codon 347 is replaced by tryptophan, an amino acid with similar properties. This amino acid position is conserved. In addition, the in silico prediction for this alteration is inconclusive. Since supporting evidence is limited at this time, the clinical significance of this alteration remains unclear.

NM_002474.3(MYH11):c.1040T>G (p.Leu347Trp)

Gene: MYH11 (myosin heavy chain 11; minus strand). Cytogenetic location: 16p13.11.
Variant type: single nucleotide variant.
Coding change: c.1040T>G on transcript NM_002474.3 (MANE Select); coding-DNA position 1040, T replaced by G.
Protein change: p.Leu347Trp; replaces leucine 347 with tryptophan.
Molecular consequence: missense variant.
Genome position (GRCh38, 1-based): chr16:15,763,885, A>C on the plus strand (T>G on the coding strand, the complement: MYH11 is on the minus strand). VCF-style: chr16-15763885-A-C. GRCh37 (hg19) VCF-style: chr16-15857742-A-C.
Other names: c.1061T>G, p.Leu354Trp (NM_001040113.2, NM_001040114.2); c.1040T>G, p.Leu347Trp (NM_022844.3); short protein forms L347W, L354W.
Identifiers: ClinVar variation 2625322 (VCV002625322.2), dbSNP rs2506445701, ClinGen allele CA394865994.
Genomic context (GRCh38, chr16:15,763,885, plus strand): 5'-GTGTTTCTTTCCTTCTTGAAGACGATATTTCCAAGCTGCAGGACCGATGATACCACCTTC[A>C]ATATGGCTGAGGTGGGGAGAGAAGGGCAGAGCAGACACAAAGGTCAATGCCAAGGTACCC-3'
Protein context (NP_002465.1, residues 337-357): GFSEEEQLSI[Leu347Trp]KVVSSVLQLG